The following is an entry in ClinVar:

ClinVar aggregate classification (germline): Uncertain significance (1 of 4 stars; one submission).

Conditions:
Infantile spasms. Also called: Infantile spasm. Identifiers: MedGen C3887898, HP:0012469.

Allele frequency attached by ClinVar (database versions not stated): gnomAD exomes below 0.00001; gnomAD 0.00001; TOPMed 0.00002.
gnomAD v4.1: 3 of 1,613,056 alleles (0.00019%); highest among the groups gnomAD compares: Middle Eastern, 0.016%; no homozygotes.

Submission:

Labcorp Genetics (formerly Invitae), Labcorp
Classification: Uncertain significance for Infantile spasms. Last evaluated: 2023-07-07. Review status: criteria provided, single submitter. Criteria: Invitae Variant Classification Sherloc (09022015). Collection method: clinical testing. Allele origin: germline.
Comment: This sequence change replaces threonine, which is neutral and polar, with isoleucine, which is neutral and non-polar, at codon 790 of the PIK3AP1 protein (p.Thr790Ile). This variant is not present in population databases (gnomAD no frequency). This variant has not been reported in the literature in individuals affected with PIK3AP1-related conditions. ClinVar contains an entry for this variant (Variation ID: 1385678). An algorithm developed to predict the effect of missense changes on protein structure and function (PolyPhen-2) suggests that this variant is likely to be tolerated. In summary, the available evidence is currently insufficient to determine the role of this variant in disease. Therefore, it has been classified as a Variant of Uncertain Significance.

NM_152309.3(PIK3AP1):c.2369C>T (p.Thr790Ile)

Gene: PIK3AP1 (phosphoinositide-3-kinase adaptor protein 1; minus strand). Cytogenetic location: 10q24.1.
Variant type: single nucleotide variant.
Coding change: c.2369C>T on transcript NM_152309.3 (MANE Select); coding-DNA position 2369, C replaced by T.
Protein change: p.Thr790Ile; replaces threonine 790 with isoleucine.
Molecular consequence: missense variant.
Genome position (GRCh38, 1-based): chr10:96,595,626, G>A on the plus strand (C>T on the coding strand, the complement: PIK3AP1 is on the minus strand). VCF-style: chr10-96595626-G-A. GRCh37 (hg19) VCF-style: chr10-98355383-G-A.
Other names: short protein forms T790I.
Identifiers: ClinVar variation 1385678 (VCV001385678.6), dbSNP rs1334720195, ClinGen allele CA377747159.
Genomic context (GRCh38, chr10:96,595,626, plus strand): 5'-AGGAGGTGGAATCAGCGTCCTCTGGGTGGAACAGGTGGAGGAGGATGGAAGGTCTCCCTG[G>A]TCGGAGGCCTAAAATGAAAGATAAGGCAACTCTATTTAAAAACTAATTTGATTAAACAGT-3'
Protein context (NP_689522.2, residues 780-800): PPRAASQRPP[Thr790Ile]RETFHPPPPV